The following is an entry in ClinVar:

ClinVar aggregate classification (germline): Uncertain significance (1 of 4 stars; one submission).

Conditions:
Left ventricular noncompaction 1 (LVNC1). Also called: LEFT VENTRICULAR NONCOMPACTION 1 WITH OR WITHOUT CONGENITAL HEART DEFECTS. Identifiers: Orphanet 54260, MedGen C1858725, MONDO:0011403, OMIM 604169.

Submission:

Labcorp Genetics (formerly Invitae), Labcorp
Classification: Uncertain significance for Left ventricular noncompaction 1. Last evaluated: 2026-02-01. Review status: criteria provided, single submitter. Criteria: Invitae Variant Classification Sherloc (09022015). Collection method: clinical testing. Allele origin: germline.
Comment: This sequence change affects an acceptor splice site in intron 19 of the DTNA gene. It is expected to disrupt RNA splicing. Variants that disrupt the donor or acceptor splice site typically lead to a loss of protein function (PMID: 16199547), however the current clinical and genetic evidence is not sufficient to establish whether loss-of-function variants in DTNA cause disease. This variant is not present in population databases (gnomAD no frequency). This variant has not been reported in the literature in individuals affected with DTNA-related conditions. Algorithms developed to predict the effect of sequence changes on RNA splicing suggest that this variant may disrupt the consensus splice site. In summary, the available evidence is currently insufficient to determine the role of this variant in disease. Therefore, it has been classified as a Variant of Uncertain Significance.

Literature cited by the submitters: PubMed 16199547.

NM_001386795.1(DTNA):c.2163-1G>A

Gene: DTNA (dystrobrevin alpha; plus strand). Cytogenetic location: 18q12.1.
Variant type: single nucleotide variant.
Coding change: c.2163-1G>A on transcript NM_001386795.1 (MANE Select); the canonical splice acceptor site of the intron before coding-DNA position 2163, G replaced by A.
Molecular consequence: splice acceptor variant.
Genome position (GRCh38, 1-based): chr18:34,882,068, G>A. VCF-style: chr18-34882068-G-A. GRCh37 (hg19) VCF-style: chr18-32462032-G-A.
Other names: c.1911-1G>A (NM_032975.4, NM_001386761.1); c.1908-1G>A (NM_001386762.1); c.1992-1G>A (NM_001386754.1, NM_001386755.1, NM_001386757.1 and 3 more transcripts); c.1989-1G>A (NM_001386760.1); c.1902-1G>A (NM_001386763.1, NM_001386764.1, NM_001198940.2 and 5 more transcripts); c.1899-1G>A (NM_001386768.1, NM_001386769.1); c.1923-1G>A (NM_001198939.2); c.2163-1G>A (NM_001386788.1); and 5 more.
Identifiers: ClinVar variation 4736303 (VCV004736303.1).